The following is an entry in ClinVar:

Conditions:
Breast-ovarian cancer, familial, susceptibility to, 1 (BROVCA1). Also called: BRCA1 Hereditary Breast and Ovarian Cancer; OVARIAN CANCER, SUSCEPTIBILITY TO. Identifiers: Orphanet 145, MedGen C2676676, MONDO:0011450, OMIM 604370. Disease mechanism: loss of function.

Submission:

Brotman Baty Institute, University of Washington
No classification provided (evidence only). Condition: Breast-ovarian cancer, familial 1. Review status: no classification provided. Collection method: in vitro. Allele origin: not applicable. Functional consequence: functionally_normal.
ClinVar note: "not provided" was previously submitted as the classification for the variant. However, the classification appeared to be based only on an observation of functional data so it was converted to no classification on 2025-07-30.

NM_007294.4(BRCA1):c.277T>A (p.Phe93Ile)

Gene: BRCA1 (BRCA1 DNA repair associated; minus strand). Cytogenetic location: 17q21.31.
Variant type: single nucleotide variant.
Coding change: c.277T>A on transcript NM_007294.4 (MANE Select); coding-DNA position 277, T replaced by A.
Protein change: p.Phe93Ile; replaces phenylalanine 93 with isoleucine.
Molecular consequence: missense variant. On other transcripts: non-coding transcript variant (1).
Genome position (GRCh38, 1-based): chr17:43,104,892, A>T on the plus strand (T>A on the coding strand, the complement: BRCA1 is on the minus strand). VCF-style: chr17-43104892-A-T. GRCh37 (hg19) VCF-style: chr17-41256909-A-T.
Other names: c.136T>A, p.Phe46Ile (NM_001407745.1, NM_001407746.1, NM_001407747.1 and 99 more transcripts); c.67T>A, p.Phe23Ile (NM_001407853.1, NM_001407879.1, NM_001407881.1 and 58 more transcripts); c.277T>A, p.Phe93Ile (NM_001407854.1, NM_001407858.1, NM_001407859.1 and 168 more transcripts); c.199T>A, p.Phe67Ile (NM_001407862.1, NM_001407874.1, NM_001407875.1 and 21 more transcripts); c.-105T>A (NM_001407959.1, NM_001407960.1, NM_001407962.1 and 4 more transcripts); c.145T>A, p.Phe49Ile (NM_001408451.1); short protein forms F93I, F46I, F67I, F23I, F49I.
Identifiers: ClinVar variation 868822 (VCV000868822.3), dbSNP rs2054677674, ClinGen allele CA10601603.